The following is an entry in ClinVar:

NM_004281.4(BAG3):c.1165A>T (p.Ser389Cys)

Gene: BAG3 (BAG cochaperone 3; plus strand). Cytogenetic location: 10q26.11.
Variant type: single nucleotide variant.
Coding change: c.1165A>T on transcript NM_004281.4 (MANE Select); coding-DNA position 1165, A replaced by T.
Protein change: p.Ser389Cys; replaces serine 389 with cysteine.
Molecular consequence: missense variant.
Genome position (GRCh38, 1-based): chr10:119,676,719, A>T. VCF-style: chr10-119676719-A-T. GRCh37 (hg19) VCF-style: chr10-121436231-A-T.
Other names: short protein forms S389C.
Identifiers: ClinVar variation 4782810 (VCV004782810.1).

ClinVar aggregate classification (germline): Uncertain significance (1 of 4 stars; one submission).

Conditions:
Dilated cardiomyopathy 1HH (CMD1HH). Identifiers: Orphanet 154, MedGen C3151293, MONDO:0013479, OMIM 613881.
Myofibrillar myopathy 6. Identifiers: Orphanet 199340, MedGen C2751831, MONDO:0013061, OMIM 612954.

Submission:

Labcorp Genetics (formerly Invitae), Labcorp
Classification: Uncertain significance for Dilated cardiomyopathy 1HH; Myofibrillar myopathy 6. Last evaluated: 2026-01-26. Review status: criteria provided, single submitter. Criteria: Invitae Variant Classification Sherloc (09022015). Collection method: clinical testing. Allele origin: germline.
Comment: This sequence change replaces serine, which is neutral and polar, with cysteine, which is neutral and slightly polar, at codon 389 of the BAG3 protein (p.Ser389Cys). This variant is not present in population databases (gnomAD no frequency). This variant has not been reported in the literature in individuals affected with BAG3-related conditions. Invitae Evidence Modeling of protein sequence and biophysical properties (such as structural, functional, and spatial information, amino acid conservation, physicochemical variation, residue mobility, and thermodynamic stability) indicates that this missense variant is not expected to disrupt BAG3 protein function with a negative predictive value of 80%. In summary, the available evidence is currently insufficient to determine the role of this variant in disease. Therefore, it has been classified as a Variant of Uncertain Significance.